The following is an entry in ClinVar:

ClinVar aggregate classification (germline): Benign/Likely benign. Review status: criteria provided, multiple submitters, no conflicts (2 of 4 stars). 2 submissions from 2 submitters: Benign (1); Likely benign (1). Last evaluated 2026-05-04.

Conditions:
Hereditary cancer-predisposing syndrome. Also called: Neoplastic Syndromes, Hereditary; Tumor predisposition; Hereditary Cancer Syndrome; Hereditary neoplastic syndrome. Identifiers: Orphanet 140162, MedGen C0027672, MeSH D009386, MONDO:0015356.
Tuberous sclerosis 1 (TSC1). Identifiers: Orphanet 805, MedGen C1854465, MONDO:0008612, OMIM 191100.

Submissions (2):

Ambry Genetics
Classification: Likely benign for Hereditary cancer-predisposing syndrome. Last evaluated: 2026-05-04. Review status: criteria provided, single submitter. Criteria: Ambry Variant Classification Scheme 2023. Collection method: clinical testing. Allele origin: germline.

Myriad Genetics, Inc.
Classification: Benign for Tuberous sclerosis 1. Last evaluated: 2025-04-29. Review status: criteria provided, single submitter. Criteria: Myriad Autosomal Dominant, Autosomal Recessive and X-Linked Classification Criteria (2023). Collection method: clinical testing. Allele origin: unknown.
Comment: This variant is considered benign. This variant is a silent/synonymous amino acid change and it is not expected to impact splicing.

NM_000368.5(TSC1):c.3063C>G (p.Pro1021=)

Gene: TSC1 (TSC complex subunit 1; minus strand). Cytogenetic location: 9q34.13.
Variant type: single nucleotide variant.
Coding change: c.3063C>G on transcript NM_000368.5 (MANE Select); coding-DNA position 3063, C replaced by G.
Protein change: p.Pro1021=; no amino-acid change (proline 1021 retained).
Molecular consequence: synonymous variant. On other transcripts: non-coding transcript variant (5).
Genome position (GRCh38, 1-based): chr9:132,896,667, G>C on the plus strand (C>G on the coding strand, the complement: TSC1 is on the minus strand). VCF-style: chr9-132896667-G-C. GRCh37 (hg19) VCF-style: chr9-135772054-G-C.
Other names: c.3060C>G, p.Pro1020= (NM_001162426.2, NM_001406597.1, NM_001406598.1 and 2 more transcripts); c.2910C>G, p.Pro970= (NM_001162427.2, NM_001406610.1); c.2700C>G, p.Pro900= (NM_001362177.2, NM_001406614.1, NM_001406615.1 and 4 more transcripts); c.3063C>G, p.Pro1021= (NM_001406592.1, NM_001406593.1, NM_001406594.1 and 2 more transcripts); c.3048C>G, p.Pro1016= (NM_001406601.1, NM_001406602.1); c.3045C>G, p.Pro1015= (NM_001406603.1, NM_001406604.1); c.3021C>G, p.Pro1007= (NM_001406605.1, NM_001406606.1, NM_001406607.1); c.3018C>G, p.Pro1006= (NM_001406608.1, NM_001406609.1); and 8 more.
Identifiers: ClinVar variation 4071316 (VCV004071316.2).